The following is an entry in ClinVar:

NM_000465.4(BARD1):c.1725T>G (p.Ser575Arg)

Gene: BARD1 (BRCA1 associated RING domain 1; minus strand). Cytogenetic location: 2q35.
Variant type: single nucleotide variant.
Coding change: c.1725T>G on transcript NM_000465.4 (MANE Select); coding-DNA position 1725, T replaced by G.
Protein change: p.Ser575Arg; replaces serine 575 with arginine.
Molecular consequence: missense variant. On other transcripts: non-coding transcript variant (3), intron variant (1).
Genome position (GRCh38, 1-based): chr2:214,745,807, A>C on the plus strand (T>G on the coding strand, the complement: BARD1 is on the minus strand). VCF-style: chr2-214745807-A-C. GRCh37 (hg19) VCF-style: chr2-215610531-A-C.
Other names: c.1668T>G, p.Ser556Arg (NM_001282543.2); c.372T>G, p.Ser124Arg (NM_001282545.2); c.315T>G, p.Ser105Arg (NM_001282548.2); c.365-15299T>G (NM_001282549.2); short protein forms S105R, S124R, S556R, S575R.
Identifiers: ClinVar variation 4867388 (VCV004867388.1).

ClinVar aggregate classification (germline): Uncertain significance (1 of 4 stars; one submission).

Conditions:
Hereditary cancer-predisposing syndrome. Also called: Neoplastic Syndromes, Hereditary; Tumor predisposition; Hereditary Cancer Syndrome; Hereditary neoplastic syndrome. Identifiers: Orphanet 140162, MedGen C0027672, MeSH D009386, MONDO:0015356.

Submission:

Ambry Genetics
Classification: Uncertain significance for Hereditary cancer-predisposing syndrome. Last evaluated: 2026-03-29. Review status: criteria provided, single submitter. Criteria: Ambry Variant Classification Scheme 2023. Collection method: clinical testing. Allele origin: germline.
Comment: The p.S575R variant (also known as c.1725T>G), located in coding exon 8 of the BARD1 gene, results from a T to G substitution at nucleotide position 1725. The serine at codon 575 is replaced by arginine, an amino acid with dissimilar properties. This amino acid position is conserved. In addition, this alteration is predicted to be deleterious by in silico analysis. Based on the available evidence, the clinical significance of this variant remains unclear.